The following is an entry in ClinVar:

NM_170606.3(KMT2C):c.4630C>T (p.Pro1544Ser)

Gene: KMT2C (lysine methyltransferase 2C; minus strand). Cytogenetic location: 7q36.1.
Variant type: single nucleotide variant.
Coding change: c.4630C>T on transcript NM_170606.3 (MANE Select); coding-DNA position 4630, C replaced by T.
Protein change: p.Pro1544Ser; replaces proline 1544 with serine.
Molecular consequence: missense variant.
Genome position (GRCh38, 1-based): chr7:152,194,039, G>A on the plus strand (C>T on the coding strand, the complement: KMT2C is on the minus strand). VCF-style: chr7-152194039-G-A. GRCh37 (hg19) VCF-style: chr7-151891124-G-A.
Other names: short protein forms P1544S.
Identifiers: ClinVar variation 2059888 (VCV002059888.4), dbSNP rs2487855215, ClinGen allele CA370104949.

ClinVar aggregate classification (germline): Uncertain significance (1 of 4 stars; one submission).

gnomAD v4.1: 1 of 1,584,100 alleles (0.000063%); highest among the groups gnomAD compares: South Asian, 0.0012%; no homozygotes.

Submission:

Labcorp Genetics (formerly Invitae), Labcorp
Classification: Uncertain significance. Last evaluated: 2023-08-17. Review status: criteria provided, single submitter. Criteria: Invitae Variant Classification Sherloc (09022015). Collection method: clinical testing. Allele origin: germline.
Comment: In summary, the available evidence is currently insufficient to determine the role of this variant in disease. Therefore, it has been classified as a Variant of Uncertain Significance. Advanced modeling of protein sequence and biophysical properties (such as structural, functional, and spatial information, amino acid conservation, physicochemical variation, residue mobility, and thermodynamic stability) has been performed at Invitae for this missense variant, however the output from this modeling did not meet the statistical confidence thresholds required to predict the impact of this variant on KMT2C protein function. This sequence change replaces proline, which is neutral and non-polar, with serine, which is neutral and polar, at codon 1544 of the KMT2C protein (p.Pro1544Ser). This variant is not present in population databases (gnomAD no frequency). This variant has not been reported in the literature in individuals affected with KMT2C-related conditions. ClinVar contains an entry for this variant (Variation ID: 2059888).